The following is an entry in ClinVar:

ClinVar aggregate classification (germline): Uncertain significance. Review status: criteria provided, multiple submitters, no conflicts (2 of 4 stars). 3 submissions from 3 submitters: Uncertain significance (3). Last evaluated 2025-09-02.

Conditions:
Inborn genetic diseases. Identifiers: MedGen C0950123, MeSH D030342.

Allele frequency attached by ClinVar (database versions not stated): gnomAD exomes 0.00004; ExAC 0.00006.
gnomAD v4.1: 27 of 1,606,154 alleles (0.0017%); highest among the groups gnomAD compares: South Asian, 0.03%; no homozygotes.

Submissions (3):

Labcorp Genetics (formerly Invitae), Labcorp
Classification: Uncertain significance. Last evaluated: 2025-09-02. Review status: criteria provided, single submitter. Criteria: Invitae Variant Classification Sherloc (09022015). Collection method: clinical testing. Allele origin: germline.
Comment: This sequence change replaces proline, which is neutral and non-polar, with leucine, which is neutral and non-polar, at codon 183 of the LPIN1 protein (p.Pro183Leu). This variant is present in population databases (rs762611185, gnomAD 0.03%). This variant has not been reported in the literature in individuals affected with LPIN1-related conditions. ClinVar contains an entry for this variant (Variation ID: 1437095). Invitae Evidence Modeling of protein sequence and biophysical properties (such as structural, functional, and spatial information, amino acid conservation, physicochemical variation, residue mobility, and thermodynamic stability) indicates that this missense variant is not expected to disrupt LPIN1 protein function with a negative predictive value of 80%. In summary, the available evidence is currently insufficient to determine the role of this variant in disease. Therefore, it has been classified as a Variant of Uncertain Significance.

Ambry Genetics
Classification: Uncertain significance for Inborn genetic diseases. Last evaluated: 2025-08-08. Review status: criteria provided, single submitter. Criteria: Ambry Variant Classification Scheme 2023. Collection method: clinical testing. Allele origin: germline.

Blueprint Genetics
Classification: Uncertain significance. Last evaluated: 2019-11-06. Review status: criteria provided, single submitter. Criteria: ACMG Guidelines, 2015. Collection method: clinical testing. Allele origin: germline.

NM_001349206.2(LPIN1):c.548C>T (p.Pro183Leu)

Gene: LPIN1 (lipin 1; plus strand). Cytogenetic location: 2p25.1.
Variant type: single nucleotide variant.
Coding change: c.548C>T on transcript NM_001349206.2 (MANE Select); coding-DNA position 548, C replaced by T.
Protein change: p.Pro183Leu; replaces proline 183 with leucine.
Molecular consequence: missense variant. On other transcripts: non-coding transcript variant (1).
Genome position (GRCh38, 1-based): chr2:11,771,631, C>T. VCF-style: chr2-11771631-C-T. GRCh37 (hg19) VCF-style: chr2-11911757-C-T.
Other names: c.548C>T (NM_145693.1); c.566C>T, p.Pro189Leu (NM_001261427.3); c.695C>T, p.Pro232Leu (NM_001261428.3, NM_001349208.2); c.548C>T, p.Pro183Leu (NM_001349199.2, NM_001349200.2, NM_001349201.2 and 5 more transcripts); c.638C>T, p.Pro213Leu (NM_001349207.2); short protein forms P189L, P213L, P183L, P232L.
Identifiers: ClinVar variation 1437095 (VCV001437095.8), dbSNP rs762611185, ClinGen allele CA1533449.